The following is an entry in ClinVar:

NM_004947.5(DOCK3):c.1038G>A (p.Thr346=)

Gene: DOCK3 (dedicator of cytokinesis 3; plus strand). Cytogenetic location: 3p21.2.
Variant type: single nucleotide variant.
Coding change: c.1038G>A on transcript NM_004947.5 (MANE Select); coding-DNA position 1038, G replaced by A.
Protein change: p.Thr346=; no amino-acid change (threonine 346 retained).
Molecular consequence: synonymous variant.
Genome position (GRCh38, 1-based): chr3:51,208,774, G>A. VCF-style: chr3-51208774-G-A. GRCh37 (hg19) VCF-style: chr3-51246205-G-A.
Other names: c.1038G>A (NM_004947.4).
Identifiers: ClinVar variation 3233706 (VCV003233706.3), dbSNP rs950181650, ClinGen allele CA74874444.

ClinVar aggregate classification (germline): Conflicting classifications of pathogenicity. Review status: criteria provided, conflicting classifications (1 of 4 stars). 2 submissions from 2 submitters: Uncertain significance (1); Likely benign (1). Last evaluated 2025-12-09.

Conditions:
Inborn genetic diseases. Identifiers: MedGen C0950123, MeSH D030342.

Allele frequency attached by ClinVar (database versions not stated): TOPMed 0.00004; gnomAD exomes below 0.00001; gnomAD 0.00001.
gnomAD v4.1: 8 of 1,606,808 alleles (0.0005%); highest among the groups gnomAD compares: Admixed American, 0.0017%; no homozygotes.

Submissions (2):

Ambry Genetics
Classification: Likely benign for Inborn genetic diseases. Last evaluated: 2025-12-09. Review status: criteria provided, single submitter. Criteria: Ambry Variant Classification Scheme 2023. Collection method: clinical testing. Allele origin: germline.

Women's Health and Genetics/Laboratory Corporation of America, LabCorp
Classification: Uncertain significance. Last evaluated: 2024-03-01. Review status: criteria provided, single submitter. Criteria: LabCorp Variant Classification Summary - May 2015. Collection method: clinical testing. Allele origin: germline.
Comment: Variant summary: DOCK3 c.1038G>A (p.Thr346Thr) alters a non-conserved nucleotide located close to a canonical splice site and therefore could affect mRNA splicing, leading to a significantly altered protein sequence. Consensus agreement among computation tools predict no significant impact on normal splicing. However, these predictions have yet to be confirmed by functional studies. The frequency data for this variant in gnomAD is considered unreliable, as metrics indicate poor data quality at this position. To our knowledge, no occurrence of c.1038G>A in individuals affected with Neurodevelopmental Disorder With Impaired Intellectual Development, Hypotonia, And Ataxia and no experimental evidence demonstrating its impact on protein function have been reported. No submitters have cited clinical-significance assessments for this variant to ClinVar. Based on the evidence outlined above, the variant was classified as uncertain significance.